The following is an entry in ClinVar:

NM_020937.4(FANCM):c.1028A>G (p.Lys343Arg)

Gene: FANCM (FA complementation group M; plus strand). Cytogenetic location: 14q21.2.
Variant type: single nucleotide variant.
Coding change: c.1028A>G on transcript NM_020937.4 (MANE Select); coding-DNA position 1028, A replaced by G.
Protein change: p.Lys343Arg; replaces lysine 343 with arginine.
Molecular consequence: missense variant.
Genome position (GRCh38, 1-based): chr14:45,151,506, A>G. VCF-style: chr14-45151506-A-G. GRCh37 (hg19) VCF-style: chr14-45620709-A-G.
Other names: c.950A>G, p.Lys317Arg (NM_001308133.2); c.1028A>G, p.Lys343Arg (NM_001308134.2); short protein forms K343R, K317R.
Identifiers: ClinVar variation 2037659 (VCV002037659.4), dbSNP rs2503093369, ClinGen allele CA389590711.
Genomic context (GRCh38, chr14:45,151,506, plus strand): 5'-GAAGGGATATCCCAAATCTAACAAAATATCAGATAATTCTGGCAAGAGATCAGTTTAGGA[A>G]AAACCCATCTCCGAATATTGTGGTAGGTATTTTTAAATAAATTTTGATGACAGATTAAAT-3'
Protein context (NP_065988.1, residues 333-353): QIILARDQFR[Lys343Arg]NPSPNIVGIQ

ClinVar aggregate classification (germline): Uncertain significance. Review status: criteria provided, multiple submitters, no conflicts (2 of 4 stars). 2 submissions from 2 submitters: Uncertain significance (2). Last evaluated 2025-06-12.

Conditions:
Inborn genetic diseases. Identifiers: MedGen C0950123, MeSH D030342.
Fanconi anemia (FA). Also called: Fanconi's anemia. Identifiers: Orphanet 84, MedGen C0015625, MeSH D005199, MONDO:0019391.

Submissions (2):

Ambry Genetics
Classification: Uncertain significance for Inborn genetic diseases. Last evaluated: 2025-06-12. Review status: criteria provided, single submitter. Criteria: Ambry Variant Classification Scheme 2023. Collection method: clinical testing. Allele origin: germline.
Comment: The p.K343R variant (also known as c.1028A>G), located in coding exon 5 of the FANCM gene, results from an A to G substitution at nucleotide position 1028. The lysine at codon 343 is replaced by arginine, an amino acid with highly similar properties. This amino acid position is conserved. In addition, this alteration is predicted to be tolerated by in silico analysis. Based on the available evidence, the clinical significance of this variant remains unclear.

Labcorp Genetics (formerly Invitae), Labcorp
Classification: Uncertain significance for Fanconi anemia. Last evaluated: 2024-08-07. Review status: criteria provided, single submitter. Criteria: Invitae Variant Classification Sherloc (09022015). Collection method: clinical testing. Allele origin: germline.
Comment: This sequence change replaces lysine, which is basic and polar, with arginine, which is basic and polar, at codon 343 of the FANCM protein (p.Lys343Arg). This variant is not present in population databases (gnomAD no frequency). This variant has not been reported in the literature in individuals affected with FANCM-related conditions. ClinVar contains an entry for this variant (Variation ID: 2037659). An algorithm developed to predict the effect of missense changes on protein structure and function (PolyPhen-2) suggests that this variant is likely to be tolerated. In summary, the available evidence is currently insufficient to determine the role of this variant in disease. Therefore, it has been classified as a Variant of Uncertain Significance.